The following is an entry in ClinVar:

NM_000784.4(CYP27A1):c.1083G>T (p.Leu361Phe)

Gene: CYP27A1 (cytochrome P450 family 27 subfamily A member 1; plus strand). Cytogenetic location: 2q35.
Variant type: single nucleotide variant.
Coding change: c.1083G>T on transcript NM_000784.4 (MANE Select); coding-DNA position 1083, G replaced by T.
Protein change: p.Leu361Phe; replaces leucine 361 with phenylalanine.
Molecular consequence: missense variant.
Genome position (GRCh38, 1-based): chr2:218,814,086, G>T. VCF-style: chr2-218814086-G-T. GRCh37 (hg19) VCF-style: chr2-219678809-G-T.
Other names: short protein forms L361F.
Identifiers: ClinVar variation 498764 (VCV000498764.12), dbSNP rs1215745374, ClinGen allele CA350591749.

ClinVar aggregate classification (germline): Uncertain significance. Review status: criteria provided, multiple submitters, no conflicts (2 of 4 stars). 2 submissions from 2 submitters: Uncertain significance (2). Last evaluated 2022-08-23.

Conditions:
Cholestanol storage disease (CTX). Also called: CTX: Cerebrotendinous xanthomatosis; CEREBRAL CHOLESTERINOSIS; Cerebrotendinous Xanthomatosis. Identifiers: Orphanet 909, MedGen C0238052, MONDO:0008948, OMIM 213700.

Allele frequency attached by ClinVar (database versions not stated): gnomAD exomes below 0.00001; gnomAD 0.00001 and 0.00002.
gnomAD v4.1: 4 of 1,614,134 alleles (0.00025%); highest among the groups gnomAD compares: African/African-American, 0.0053%; no homozygotes.

Submissions (2):

Labcorp Genetics (formerly Invitae), Labcorp
Classification: Uncertain significance for Cholestanol storage disease. Last evaluated: 2022-08-23. Review status: criteria provided, single submitter. Criteria: Invitae Variant Classification Sherloc (09022015). Collection method: clinical testing. Allele origin: germline.
Comment: This sequence change replaces leucine, which is neutral and non-polar, with phenylalanine, which is neutral and non-polar, at codon 361 of the CYP27A1 protein (p.Leu361Phe). This variant is present in population databases (no rsID available, gnomAD 0.008%). This variant has not been reported in the literature in individuals affected with CYP27A1-related conditions. ClinVar contains an entry for this variant (Variation ID: 498764). Advanced modeling of protein sequence and biophysical properties (such as structural, functional, and spatial information, amino acid conservation, physicochemical variation, residue mobility, and thermodynamic stability) performed at Invitae indicates that this missense variant is expected to disrupt CYP27A1 protein function. In summary, the available evidence is currently insufficient to determine the role of this variant in disease. Therefore, it has been classified as a Variant of Uncertain Significance.

Eurofins Ntd Llc (ga)
Classification: Uncertain significance. Last evaluated: 2016-12-01. Review status: criteria provided, single submitter. Criteria: EGL Classification Definitions 2015. Collection method: clinical testing. Allele origin: germline. Observed: 1 variant allele, 1 heterozygote.